The following is an entry in ClinVar:

ClinVar aggregate classification (germline): Conflicting classifications of pathogenicity. Review status: criteria provided, conflicting classifications (1 of 4 stars). 6 submissions from 6 submitters: Uncertain significance (1); Benign (1); Likely benign (3). 1 of the submissions does not count toward it. Last evaluated 2026-01-31.

Conditions:
SMAD9-related disorder. Also called: SMAD9-related condition.
Pulmonary hypertension, primary, 2. Identifiers: Orphanet 422, MedGen C3888002, MONDO:0014134, OMIM 615342.

Allele frequency attached by ClinVar (database versions not stated): 1000 Genomes Project 0.00020; 1000 Genomes Project 30x 0.00031; ESP Exome Variant Server 0.00077; gnomAD exomes 0.00113 and 0.00169; ExAC 0.00121; TOPMed 0.00122; gnomAD 0.00139 and 0.00147.

Submissions (6):

Labcorp Genetics (formerly Invitae), Labcorp
Classification: Likely benign for Pulmonary hypertension, primary, 2. Last evaluated: 2026-01-31. Review status: criteria provided, single submitter. Criteria: Invitae Variant Classification Sherloc (09022015). Collection method: clinical testing. Allele origin: germline.

CeGaT Center for Human Genetics Tuebingen
Classification: Benign. Last evaluated: 2025-01-01. Review status: criteria provided, single submitter. Criteria: CeGaT Center For Human Genetics Tuebingen Variant Classification Criteria Version 2. Collection method: clinical testing. Allele origin: germline. Affected: yes. Observed: 1 variant allele.
Comment: SMAD9: BS1, BS2

Blueprint Genetics
Classification: Likely benign. Last evaluated: 2024-11-26. Review status: criteria provided, single submitter. Criteria: ACMG Guidelines, 2015. Collection method: clinical testing. Allele origin: germline.

ARUP Laboratories, Molecular Genetics and Genomics, ARUP Laboratories
Classification: Likely benign for Pulmonary hypertension, primary, 2. Last evaluated: 2023-10-05. Review status: criteria provided, single submitter. Criteria: ARUP Molecular Germline Variant Investigation Process 2024. Collection method: clinical testing. Allele origin: germline.

GeneDx
Classification: Uncertain significance. Last evaluated: 2015-11-30. Review status: criteria provided, single submitter. Criteria: GeneDx Variant Classification (06012015). Collection method: clinical testing. Allele origin: germline. Affected: yes.
Comment: p.Arg263Gln (CGA>CAA): c.788 G>A in exon 5 in the SMAD9 gene (NM_001127217.2). The R263Q variant in the SMAD9 gene has not been reported previously as a disease-causing mutation nor as a benign polymorphism, to our knowledge. This variant is a non-conservative amino acid substitution of a positively charged Arginine with a neutral, polar Glutamine at a residue that is conserved across most mammalian species. In silico analysis was inconsistent with regard to the effect this variant may have on the protein structure/function. The R263Q variant was observed at a frequency of 0.1%, 10/8600 alleles, in individuals of European ancestry by the NHLBI Exome Sequencing Project. We interpret R263Q as a variant of unknown significance. This variant was found in SMAD9.

PreventionGenetics, part of Exact Sciences
Classification: Likely benign for SMAD9-related condition. Last evaluated: 2023-12-28. Review status: no assertion criteria provided. Collection method: clinical testing. Allele origin: germline. Not counted in ClinVar's aggregate classification.
Comment: This variant is classified as likely benign based on ACMG/AMP sequence variant interpretation guidelines (Richards et al. 2015 PMID: 25741868, with internal and published modifications).

NM_001127217.3(SMAD9):c.788G>A (p.Arg263Gln)

Gene: SMAD9 (SMAD family member 9; minus strand). Cytogenetic location: 13q13.3.
Variant type: single nucleotide variant.
Coding change: c.788G>A on transcript NM_001127217.3 (MANE Select); coding-DNA position 788, G replaced by A.
Protein change: p.Arg263Gln; replaces arginine 263 with glutamine.
Molecular consequence: missense variant.
Genome position (GRCh38, 1-based): chr13:36,865,752, C>T on the plus strand (G>A on the coding strand, the complement: SMAD9 is on the minus strand). VCF-style: chr13-36865752-C-T. GRCh37 (hg19) VCF-style: chr13-37439889-C-T.
Other names: p.R263Q:CGA>CAA; c.677G>A, p.Arg226Gln (NM_001378621.1, NM_005905.6); short protein forms R263Q, R226Q.
Identifiers: ClinVar variation 213812 (VCV000213812.36), dbSNP rs78249575, ClinGen allele CA320922.